The following is an entry in ClinVar:

NM_033380.3(COL4A5):c.4475G>C (p.Gly1492Ala)

Gene: COL4A5 (collagen type IV alpha 5 chain; plus strand). Cytogenetic location: Xq22.3.
Variant type: single nucleotide variant.
Coding change: c.4475G>C on transcript NM_033380.3 (MANE Select); coding-DNA position 4475, G replaced by C.
Protein change: p.Gly1492Ala; replaces glycine 1492 with alanine.
Molecular consequence: missense variant.
Genome position (GRCh38, 1-based): chrX:108,687,641, G>C. VCF-style: chrX-108687641-G-C. GRCh37 (hg19) VCF-style: chrX-107930871-G-C.
Other names: c.4457G>C, p.Gly1486Ala (NM_000495.5); short protein forms G1486A, G1492A.
Identifiers: ClinVar variation 24739 (VCV000024739.10), dbSNP rs104886282, ClinGen allele CA259048.

ClinVar aggregate classification (germline): Pathogenic (1 of 4 stars; one submission).

Submission:

Labcorp Genetics (formerly Invitae), Labcorp
Classification: Pathogenic. Last evaluated: 2022-11-29. Review status: criteria provided, single submitter. Criteria: Invitae Variant Classification Sherloc (09022015). Collection method: clinical testing. Allele origin: germline.
Comment: For these reasons, this variant has been classified as Pathogenic. This variant disrupts the p.Gly1486 amino acid residue in COL4A5. Other variant(s) that disrupt this residue have been determined to be pathogenic (PMID: 24304881). This suggests that this residue is clinically significant, and that variants that disrupt this residue are likely to be disease-causing. Experimental studies have shown that this missense change affects COL4A5 function (PMID: 18083113). Advanced modeling of protein sequence and biophysical properties (such as structural, functional, and spatial information, amino acid conservation, physicochemical variation, residue mobility, and thermodynamic stability) performed at Invitae indicates that this missense variant is expected to disrupt COL4A5 protein function. ClinVar contains an entry for this variant (Variation ID: 24739). This missense change has been observed in individuals with Alport syndrome (PMID: 10094548; Invitae). This variant is not present in population databases (gnomAD no frequency). This sequence change replaces glycine, which is neutral and non-polar, with alanine, which is neutral and non-polar, at codon 1486 of the COL4A5 protein (p.Gly1486Ala).

Literature cited by the submitters: PubMed 24304881; PubMed 18083113; PubMed 10094548.